The following is an entry in ClinVar:

ClinVar aggregate classification (germline): Benign (1 of 4 stars; one submission).

Allele frequency attached by ClinVar (database versions not stated): TOPMed 0.32565; gnomAD 0.32412 and 0.32784; 1000 Genomes Project 0.31410; 1000 Genomes Project 30x 0.32417.
gnomAD v4.1: 49,074 of 151,990 alleles (32%); highest among the groups gnomAD compares: African/African-American, 52%; 9,323 homozygotes.

Submission:

GeneDx
Classification: Benign. Last evaluated: 2018-06-14. Review status: criteria provided, single submitter. Criteria: GeneDx Variant Classification (06012015). Collection method: clinical testing. Allele origin: germline. Affected: yes.
Comment: This variant is considered likely benign or benign based on one or more of the following criteria: it is a conservative change, it occurs at a poorly conserved position in the protein, it is predicted to be benign by multiple in silico algorithms, and/or has population frequency not consistent with disease.

NM_001384140.1(PCDH15):c.1591-214A>C

Gene: PCDH15 (protocadherin related 15; minus strand). Cytogenetic location: 10q21.1.
Variant type: single nucleotide variant.
Coding change: c.1591-214A>C on transcript NM_001384140.1 (MANE Select); 214 bases into the intron before coding-DNA position 1591, A replaced by C.
Molecular consequence: intron variant.
Genome position (GRCh38, 1-based): chr10:54,153,507, T>G on the plus strand (A>C on the coding strand, the complement: PCDH15 is on the minus strand). VCF-style: chr10-54153507-T-G. GRCh37 (hg19) VCF-style: chr10-55913267-T-G.
Other names: c.1591-214A>C (NM_001354420.2, NM_001354429.2, NM_001142772.2 and 6 more transcripts); c.1606-214A>C (NM_001142771.2, NM_001142763.2); c.1612-214A>C (NM_001354411.2); c.1627-214A>C (NM_001142769.3); c.1525-214A>C (NM_001354404.2, NM_001142773.2, NM_001142768.2); c.1480-214A>C (NM_001142767.2).
Identifiers: ClinVar variation 678846 (VCV000678846.1), dbSNP rs7093558, ClinGen allele CA207217775.